The following is an entry in ClinVar:

ClinVar aggregate classification (germline): Pathogenic. Review status: criteria provided, multiple submitters, no conflicts (2 of 4 stars). 5 submissions from 5 submitters: Pathogenic (5). Last evaluated 2025-04-22.

Conditions:
Macular dystrophy with central cone involvement (CCMD). Identifiers: MedGen C4015371, MONDO:0014515, OMIM 616170.
Neuronal ceroid lipofuscinosis 7 (CLN7). Also called: MFSD8-Related Neuronal Ceroid-Lipofuscinosis. Identifiers: Orphanet 168491, Orphanet 228366, MedGen C1838571, MONDO:0012588, OMIM 610951.
Late-infantile neuronal ceroid lipofuscinosis. Also called: Jansky-Bielschowsky disease. Identifiers: MedGen C0022340, MONDO:0015674.

Allele frequency attached by ClinVar (database versions not stated): gnomAD exomes 0.00001.

Submissions (5):

Medical Genetic Diagnosis and Therapy Center, Fujian Medical University
Classification: Pathogenic for Neuronal ceroid lipofuscinosis 7. Last evaluated: 2025-04-22. Review status: criteria provided, single submitter. Criteria: ACMG Guidelines 2015. Collection method: clinical testing. Allele origin: paternal. Inheritance: Autosomal recessive inheritance. Affected: yes. Observed: 1 compound heterozygote.
Comment: This variant is classified as pathogenic according to the ACMG guidelines (P: PVS1+PM2+PM3).

Natera, Inc.
Classification: Pathogenic for Late-infantile neuronal ceroid lipofuscinosis. Last evaluated: 2025-04-11. Review status: criteria provided, single submitter. Criteria: Natera Variant Classification Schema (03/2026). Collection method: clinical testing. Allele origin: germline.
Comment: The c.217dupA variant in MFSD8 is a frameshift variant predicted to shift the reading frame beginning at codon 73 and leads to a stop codon 12 codons downstream. This variant is expected to result in nonsense mediated decay, truncation, or a dysfunctional protein product. This variant is rare in the general population with a frequency below the threshold expected for the associated phenotype(s). This variant has been observed in one or more individuals affected with the associated recessive disease, as either homozygous or compound heterozygous with a second variant (PMID: 31069529, 37250406). Given the available evidence, this variant is classified as Pathogenic.

Labcorp Genetics (formerly Invitae), Labcorp
Classification: Pathogenic for Neuronal ceroid lipofuscinosis 7. Last evaluated: 2024-01-04. Review status: criteria provided, single submitter. Criteria: Invitae Variant Classification Sherloc (09022015). Collection method: clinical testing. Allele origin: germline.
Comment: This sequence change creates a premature translational stop signal (p.Thr73Asnfs*12) in the MFSD8 gene. It is expected to result in an absent or disrupted protein product. Loss-of-function variants in MFSD8 are known to be pathogenic (PMID: 19177532, 25227500, 28586915). This variant is present in population databases (rs796052752, gnomAD 0.02%). This variant has not been reported in the literature in individuals affected with MFSD8-related conditions. ClinVar contains an entry for this variant (Variation ID: 206175). For these reasons, this variant has been classified as Pathogenic.

GeneDx
Classification: Pathogenic. Last evaluated: 2014-10-28. Review status: criteria provided, single submitter. Criteria: GeneDx Variant Classification (06012015). Collection method: clinical testing. Allele origin: germline. Affected: yes.
Comment: c.217dupA: p.Thr73AsnfsX12 in exon 5 in the MFSD8 gene (NM_152778.2). The normal sequence with the base that is duplicated in braces is: TGAT{A}CAAG. The apparently homozygous c.217dupA mutation in the MFSD8 gene has not been reported previously as a disease-causing mutation nor as a benign polymorphism, to our knowledge. The c.217dupA mutation causes a frameshift starting with codon Threonine 73, changes this amino acid to an Asparagine residue and creates a premature Stop codon at position 12 of the new reading frame, denoted p.Thr73AsnfsX12. This mutation is predicted to cause loss of normal protein function either through protein truncation or nonsense-mediated mRNA decay. The c.217dupA mutation was not observed in approximately 6500 individuals of European and African American ancestry in the NHLBI Exome Sequencing Project, indicating it is not a common benign variant in these populations. Other frameshift mutations have been reported in association with neuronal ceroid lipofuscinosis . We interpret c.217dupA as a disease-causing mutation which is consistent with the reported seizures, developmental regression, ataxia, microcephaly, and hypotonial. The variant is found in MFSD8 panel(s).

Juno Genomics, Hangzhou Juno Genomics, Inc
Classification: Pathogenic for Neuronal ceroid lipofuscinosis 7; Macular dystrophy with central cone involvement. Review status: criteria provided, single submitter. Criteria: ACMG Guidelines, 2015. Collection method: clinical testing. Allele origin: germline.
Comment: Absent from controls (or at extremely low frequency if recessive) in Genome Aggregation Database.;Null variant in a gene where loss of function (LOF) is a known mechanism of disease.;For recessive disorders, detected in trans with a pathogenic variant.;Patient's phenotype or family history is highly specific for a disease with a single genetic etiology.

Literature cited by the submitters: PubMed 37250406 (cited by Medical Genetic Diagnosis and Therapy Center, Fujian Medical University and Natera, Inc.); PubMed 31069529 (cited by Natera, Inc.); PubMed 19177532 (cited by Labcorp Genetics (formerly Invitae), Labcorp); PubMed 25227500 (cited by Labcorp Genetics (formerly Invitae), Labcorp); PubMed 28586915 (cited by Labcorp Genetics (formerly Invitae), Labcorp).

NM_001371596.2(MFSD8):c.217dup (p.Thr73fs)

Gene: MFSD8 (major facilitator superfamily domain containing 8; minus strand). Cytogenetic location: 4q28.2.
Variant type: Duplication.
Coding change: c.217dup on transcript NM_001371596.2 (MANE Select); coding-DNA position 217, one base duplicated (A; older notation c.217dupA).
Protein change: p.Thr73fs; shifts the reading frame from threonine 73.
Molecular consequence: frameshift variant.
Genome position (GRCh38, 1-based): chr4:127,943,974, T duplicated on the plus strand (A on the coding strand, the reverse complement: MFSD8 is on the minus strand). VCF-style (leftmost placement, unchanged base first): chr4-127943973-G-GT. GRCh37 (hg19) VCF-style: chr4-128865128-G-GT.
Other names: c.217dup, p.Thr73Asnfs (NM_001363520.3, NM_001371591.2, NM_001371592.2 and 4 more transcripts); c.82dup, p.Thr28fs (NM_001371595.1); c.82dup, p.Thr28Asnfs (NM_001410765.1, NM_001371590.2); c.217dup, p.Thr73fs (NM_152778.4); short protein forms T73fs, T28fs.
Identifiers: ClinVar variation 206175 (VCV000206175.41), dbSNP rs796052752, ClinGen allele CA316008.
Genomic context (GRCh38, chr4:127,943,973, plus strand): 5'-ATAGGTGAAGCTACCATTTGGCCAAGACTATATGAAGCAATAACCCAGCCCAAAAAACTT[G>GT]TATCAGCTGTCGGATCAATCTGCAGAAAAAGGTACAGTGCTTTAAGAATTGTTATCCAAG-3'